The following is an entry in ClinVar:

NM_001376.5(DYNC1H1):c.11915_11917dup (p.Tyr3972_Leu3973insHis)

Gene: DYNC1H1 (dynein cytoplasmic 1 heavy chain 1; plus strand). Cytogenetic location: 14q32.31.
Variant type: Duplication.
Coding change: c.11915_11917dup on transcript NM_001376.5 (MANE Select); coding-DNA positions 11915 to 11917, 3 bases duplicated (ACC; older notation c.11915_11917dupACC).
Protein change: p.Tyr3972_Leu3973insHis.
Molecular consequence: inframe insertion. On other transcripts: inframe indel (1).
Genome position (GRCh38, 1-based): chr14:102,040,647-102,040,649, ACC duplicated. VCF-style (leftmost placement, unchanged base first): chr14-102040646-T-TACC. GRCh37 (hg19) VCF-style: chr14-102506983-T-TACC.
Other names: c.11915_11917dupACC (NM_001376.4).
Identifiers: ClinVar variation 1744858 (VCV001744858.2), dbSNP rs2048638124, ClinGen allele CA2159624515.

ClinVar aggregate classification (germline): Uncertain significance (1 of 4 stars; one submission).

Conditions:
Inborn genetic diseases. Identifiers: MedGen C0950123, MeSH D030342.

Submission:

Ambry Genetics
Classification: Uncertain significance for Inborn genetic diseases. Last evaluated: 2018-01-10. Review status: criteria provided, single submitter. Criteria: Ambry Variant Classification Scheme 2023. Collection method: clinical testing. Allele origin: germline.
Comment: The c.11915_11917dupACC variant (also known as p.Y3972_L3973insH), located in coding exon 64 of the DYNC1H1 gene, results from an in-frame duplication of ACC at nucleotide positions 11915 to 11917. This results in the duplication of 2 extra residues between codons 3972 and 3973. These nucleotide positions are well conserved in available vertebrate species. In addition, this alteration is predicted to be deleterious byin silico analysis (Choi Y et al., PLoS ONE 2012; 7(10):e46688). Since supporting evidence is limited at this time, the clinical significance of this alteration remains unclear.